The following is an entry in ClinVar:

NM_001243197.2(IQSEC2):c.99del (p.Ser34fs)

Gene: IQSEC2 (IQ motif and Sec7 domain ArfGEF 2; minus strand). Cytogenetic location: Xp11.22.
Variant type: Deletion.
Coding change: c.99del on transcript NM_001243197.2 (MANE Plus Clinical); coding-DNA position 99, one base deleted (C; older notation c.99delC).
Protein change: p.Ser34fs; shifts the reading frame from serine 34.
Molecular consequence: frameshift variant. On other transcripts: intron variant (5).
Genome position (GRCh38, 1-based): chrX:53,279,587, G deleted on the plus strand (C on the coding strand, the reverse complement: IQSEC2 is on the minus strand); the first of 5 consecutive G bases (chrX:53,279,587-53,279,591); deleting any one gives the same sequence. VCF-style (leftmost placement, unchanged base first): chrX-53279586-AG-A. GRCh37 (hg19) VCF-style: chrX-53308768-AG-A.
Other names: c.216del, p.Ser73fs (NM_001441093.1); c.99del, p.Ser34fs (NM_015075.2); c.737+12308del (NM_001441092.1, NM_001410736.1, NM_001111125.3); c.26+1909del (NM_001441095.1, NM_001441094.1); short protein forms S34fs, S73fs.
Identifiers: ClinVar variation 4082108 (VCV004082108.1).

ClinVar aggregate classification (germline): Likely benign (1 of 4 stars; one submission).

Conditions:
Intellectual developmental disorder, X-linked 1. Also called: Atkin Flaitz Patil Smith syndrome; MENTAL RETARDATION, X-LINKED 18; MENTAL RETARDATION, X-LINKED 78; Intellectual disability, X-linked 1. Identifiers: Orphanet 777, MedGen C2931498, MONDO:0010656, OMIM 309530.

Submission:

Medical Genetics Laboratory, Niloo Shiraz Laboratory
Classification: Likely benign for Intellectual developmental disorder, X-linked 1. Review status: criteria provided, single submitter. Criteria: ACMG Guidelines, 2015. Collection method: clinical testing. Allele origin: germline. Inheritance: X-linked dominant inheritance. Affected: no.
Comment: Based on transcript NM_001111125.3, it is located in a deep intronic region within a homo-polymer G stretch. According to ACMG guidelines and our observations, this variant is classified as likely benign.